The following is an entry in ClinVar:

ClinVar aggregate classification (germline): Pathogenic/Likely pathogenic. Review status: criteria provided, multiple submitters, no conflicts (2 of 4 stars). 6 submissions from 6 submitters: Pathogenic (2); Likely pathogenic (3). 1 of the submissions does not count toward it. Last evaluated 2026-01-05.

Conditions:
Familial cancer of breast. Also called: BREAST CANCER, FAMILIAL; Hereditary breast cancer; hereditary breast carcinoma. Identifiers: Orphanet 227535, MedGen C0346153, MONDO:0016419, OMIM 114480. Disease mechanism: loss of function.
Hereditary cancer-predisposing syndrome. Also called: Neoplastic Syndromes, Hereditary; Tumor predisposition; Hereditary Cancer Syndrome; Hereditary neoplastic syndrome. Identifiers: Orphanet 140162, MedGen C0027672, MeSH D009386, MONDO:0015356.

Allele frequency attached by ClinVar (database versions not stated): gnomAD exomes below 0.00001.

Submissions (6):

Labcorp Genetics (formerly Invitae), Labcorp
Classification: Likely pathogenic for Familial cancer of breast. Last evaluated: 2026-01-05. Review status: criteria provided, single submitter. Criteria: Invitae Variant Classification Sherloc (09022015). Collection method: clinical testing. Allele origin: germline.
Comment: This sequence change creates a premature translational stop signal (p.Ile717Glnfs*12) in the BARD1 gene. While this is not anticipated to result in nonsense mediated decay, it is expected to disrupt the last 61 amino acid(s) of the BARD1 protein. This variant is present in population databases (rs786203811, gnomAD 0.0009%). This premature translational stop signal has been observed in individual(s) with fallopian tube cancer (PMID: 22006311). ClinVar contains an entry for this variant (Variation ID: 187542). Algorithms developed to predict the effect of sequence changes on RNA splicing suggest that this variant may create or strengthen a splice site. This variant disrupts the C-terminal BRCT domain of BARD1 protein, which is required for chromosome stability and homology-directed repair (PMID: 17848578). A different variant (p.Val767fs) that lies downstream of this variant has been reported to affect BARD1 protein function (PMID: 30925164), this suggests that disruption of this region of the protein is causative of disease. In summary, the currently available evidence indicates that the variant is pathogenic, but additional data are needed to prove that conclusively. Therefore, this variant has been classified as Likely Pathogenic.

Ambry Genetics
Classification: Pathogenic for Hereditary cancer-predisposing syndrome. Last evaluated: 2024-06-07. Review status: criteria provided, single submitter. Criteria: Ambry Variant Classification Scheme 2023. Collection method: clinical testing. Allele origin: germline.
Comment: The c.2148_2149delCA pathogenic mutation, located in coding exon 11 of the BARD1 gene, results from a deletion of two nucleotides at nucleotide positions 2148 to 2149, causing a translational frameshift with a predicted alternate stop codon (p.I717Qfs*12). This alteration occurs at the 3' terminus of theBARD1 gene, is not expected to trigger nonsense-mediated mRNA decay, and only impacts the last 7% of the protein. However, premature stop codons are typically deleterious in nature and a significant portion of the protein is affected (Ambry internal data). Additionally, this alteration impacts the BRCT domain of BARD1, which has been shown to be necessary for homology-directed DNA repair (Laufer M et al. J Biol Chem, 2007 Nov;282:34325-33, Adamovich AI et al. PLoS Genet, 2019 03;15:e1008049). This variant is considered to be rare based on population cohorts in the Genome Aggregation Database (gnomAD). Based on the supporting evidence, this variant is interpreted as a disease-causing mutation.

Myriad Genetics, Inc.
Classification: Pathogenic for Familial cancer of breast. Last evaluated: 2023-05-25. Review status: criteria provided, single submitter. Criteria: Myriad Autosomal Dominant, Autosomal Recessive and X-Linked Classification Criteria (2023). Collection method: clinical testing. Allele origin: unknown.
Comment: This variant is considered pathogenic. This variant creates a frameshift predicted to result in premature protein truncation.

GeneDx
Classification: Likely pathogenic. Last evaluated: 2023-03-30. Review status: criteria provided, single submitter. Criteria: GeneDx Variant Classification Process June 2021. Collection method: clinical testing. Allele origin: germline. Affected: yes.
Comment: Nonsense variant predicted to result in protein truncation as the last 30 amino acids are lost, and other downstream truncating variants have been reported to affect protein function (Adamovich et al., 2019); Not observed at a significant frequency in large population cohorts (gnomAD); Observed in an individual with fallopian tube or ovarian cancer (Walsh et al., 2011; Lilyquist et al., 2017); This variant is associated with the following publications: (PMID: 30925164, 29922827, 28888541, 22006311)

Sema4
Classification: Likely pathogenic for Hereditary cancer-predisposing syndrome. Last evaluated: 2022-02-10. Review status: criteria provided, single submitter. Criteria: Sema4 Curation Guidelines. Collection method: curation. Allele origin: germline.
Comment: The BARD1 c.2148_2149delCA (p.I717QfsX12) variant has been reported in heterozygosity in at least three individuals with breast or ovarian cancer (PMID: 22006311, 28888541, 32866190). This variant causes a frameshift at amino acid 717 that results in premature termination 12 amino acids downstream. As this variant is not predicted to cause nonsense-mediated decay, the protein product is expected to be truncated. This variant is predicted to delete or alter the last 61 amino acids of the BARD1 protein, including the C-terminus of the BRCT2 domain which is required for chromosome stability and homology-directed repair (PMID: 14578343, 15782130, 17848578, 17550235, 18842000). This variant was observed in 1/113668 chromosomes in the Non-Finnish European population according to the Genome Aggregation Database (PMID: 32461654), and has been reported in ClinVar (Variation ID: 187542). Another likely pathogenic frameshift variant, c.2300_2301delTG, located downstream of this variant, has been reported in individuals affected with breast or ovarian cancer and was shown to have significantly reduced homology directed repair activity (PMID: 26315354, 25452441, 30925164). Based on the current evidence available, this variant is interpreted as likely pathogenic.

Department of Pathology and Laboratory Medicine, Sinai Health System
Classification: Uncertain significance. Review status: no assertion criteria provided. Collection method: clinical testing. Allele origin: unknown. Affected: yes. Study: The Canadian Open Genetics Repository (COGR). Not counted in ClinVar's aggregate classification.
Comment: The BARD1 p.I717Qfs*12 variant was identified in one individual with fallopian tube serous carcinoma (Walsh_2011_PMID: 22006311). The variant was identified in dbSNP (ID: rs786203811) and ClinVar (classified as pathogenic by Ambry Genetics and as uncertain significance by Invitae). The variant was not identified in Cosmic. The variant was identified in control databases in 1 of 236840 chromosomes at a frequency of 0.000004222 (Genome Aggregation Database March 6, 2019, v2.1.1). The variant was observed in the European (non-Finnish) population in 1 of 102654 chromosomes (freq: 0.00001), but was not observed in the African, Latino, Ashkenazi Jewish, East Asian, European (Finnish), Other, or South Asian populations. The c.2148_2149del variant is predicted to cause a frameshift, which alters the protein's amino acid sequence beginning at codon 717 and leads to a premature stop codon 12 codons downstream, instead of the normal stop codon at 778. This variant occurs in the last exon of the BARD1 gene and results in less than a 10% loss of the protein, therefore the function of this variant is currently unclear. In summary, based on the above information the clinical significance of this variant cannot be determined with certainty at this time. This variant is classified as a variant of uncertain significance.

Literature cited by the submitters: PubMed 22006311 (cited by Labcorp Genetics (formerly Invitae), Labcorp and Sema4); PubMed 17848578 (cited by 3 submitters); PubMed 30925164 (cited by 3 submitters); PubMed 28888541 (cited by Sema4); PubMed 32866190 (cited by Sema4); PubMed 14578343 (cited by Sema4); PubMed 15782130 (cited by Sema4); PubMed 17550235 (cited by Sema4); PubMed 18842000 (cited by Sema4); PubMed 26315354 (cited by Sema4); PubMed 25452441 (cited by Sema4).

NM_000465.4(BARD1):c.2148_2149del (p.Ile717fs)

Gene: BARD1 (BRCA1 associated RING domain 1; minus strand). Cytogenetic location: 2q35.
Variant type: Deletion.
Coding change: c.2148_2149del on transcript NM_000465.4 (MANE Select); coding-DNA positions 2148 to 2149, 2 bases deleted (CA; older notation c.2148_2149delCA).
Protein change: p.Ile717fs; shifts the reading frame from isoleucine 717.
Molecular consequence: frameshift variant. On other transcripts: non-coding transcript variant (3).
Genome position (GRCh38, 1-based): chr2:214,728,861-214,728,862, TG deleted on the plus strand (CA on the coding strand, the reverse complement: BARD1 is on the minus strand). VCF-style (leftmost placement, unchanged base first): chr2-214728860-ATG-A. GRCh37 (hg19) VCF-style: chr2-215593584-ATG-A.
Other names: c.2091_2092del, p.Ile698fs (NM_001282543.2); c.795_796del, p.Ile266fs (NM_001282545.2); c.738_739del, p.Ile247fs (NM_001282548.2); c.609_610del, p.Ile204fs (NM_001282549.2); c.2148_2149delCA (NM_000465.2); short protein forms I247fs, I266fs, I717fs, I204fs, I698fs.
Identifiers: ClinVar variation 187542 (VCV000187542.21), dbSNP rs786203811, ClinGen allele CA197911.
Genomic context (GRCh38, chr2:214,728,860, plus strand): 5'-ATATACTGTGTGCAGAAGCGCTGATCAGAATCGGGTCTCGCATGGTATGCGACTGTATTG[ATG>A]GTCTGAGTCACGTCACTGTCTGGCTTGGGCTTTCTACTGAGGATCTGGCCCCCACCTGCA-3'